The following is an entry in ClinVar:

NM_000204.5(CFI):c.1399T>C (p.Cys467Arg)

Gene: CFI (complement factor I; minus strand). Cytogenetic location: 4q25.
Variant type: single nucleotide variant.
Coding change: c.1399T>C on transcript NM_000204.5 (MANE Select); coding-DNA position 1399, T replaced by C.
Protein change: p.Cys467Arg; replaces cysteine 467 with arginine.
Molecular consequence: missense variant. On other transcripts: non-coding transcript variant (2).
Genome position (GRCh38, 1-based): chr4:109,746,252, A>G on the plus strand (T>C on the coding strand, the complement: CFI is on the minus strand). VCF-style: chr4-109746252-A-G. GRCh37 (hg19) VCF-style: chr4-110667408-A-G.
Other names: c.1423T>C, p.Cys475Arg (NM_001318057.2, NM_001375278.1); c.1378T>C, p.Cys460Arg (NM_001331035.2, NM_001375280.1, NM_001375282.1); c.1399T>C, p.Cys467Arg (NM_001375279.1, NM_001375281.1); c.1342T>C, p.Cys448Arg (NM_001375283.1); c.790T>C, p.Cys264Arg (NM_001375284.1); short protein forms C460R, C475R, C264R, C448R, C467R.
Identifiers: ClinVar variation 1426300 (VCV001426300.8), dbSNP rs1724402529, ClinGen allele CA357856608.

ClinVar aggregate classification (germline): Conflicting classifications of pathogenicity. Review status: criteria provided, conflicting classifications (1 of 4 stars). 3 submissions from 3 submitters: Pathogenic (1); Uncertain significance (2). Last evaluated 2026-09-17.

Conditions:
Age related macular degeneration 13. Identifiers: MedGen C3809523, MONDO:0014189, OMIM 615439.
Atypical hemolytic-uremic syndrome with I factor anomaly. Also called: HEMOLYTIC UREMIC SYNDROME, ATYPICAL, SUSCEPTIBILITY TO, 3; AHUS, SUSCEPTIBILITY TO, 3. Identifiers: Orphanet 2134, MedGen C2752039, MONDO:0013041, OMIM 612923.
Factor I deficiency (CFID). Also called: Complement factor I deficiency. Identifiers: Orphanet 200418, MedGen C3463916, MONDO:0012594, OMIM 610984.

Allele frequency attached by ClinVar (database versions not stated): gnomAD exomes below 0.00001; TOPMed below 0.00001; gnomAD 0.00001.
gnomAD v4.1: 8 of 1,614,052 alleles (0.0005%); highest among the groups gnomAD compares: Non-Finnish European, 0.00059%; no homozygotes.

Submissions (3):

Genomenon, Inc
Classification: Pathogenic for Factor I deficiency. Last evaluated: 2026-09-17. Review status: criteria provided, single submitter. Criteria: Genomenon Sequence Variant Interpretation Standards - Updated. Collection method: curation. Allele origin: germline. Affected: yes.
Comment: CFI p.Cys467Arg (c.1399T>C) is a missense variant that changes the amino acid at codon 467 from Cysteine to Arginine. This variant has been observed in at least one proband affected with complement factor I deficiency (PMID:40713518). The variant was found to segregate with disease in at least one affected family (PMID:40713518). At least one functional study has demonstrated a substantial alteration in protein function relative to the wild-type (PMID:32510551). This variant is located in a mutational hotspot and/or important functional domain. It is absent or not present at a significant frequency in gnomAD. In silico models predict that this variant is possibly or probably damaging. In conclusion, we classify CFI p.Cys467Arg (c.1399T>C) as a pathogenic variant.

Labcorp Genetics (formerly Invitae), Labcorp
Classification: Uncertain significance. Last evaluated: 2025-10-01. Review status: criteria provided, single submitter. Criteria: Invitae Variant Classification Sherloc (09022015). Collection method: clinical testing. Allele origin: germline.
Comment: This sequence change replaces cysteine, which is neutral and slightly polar, with arginine, which is basic and polar, at codon 467 of the CFI protein (p.Cys467Arg). This variant is not present in population databases (gnomAD no frequency). This missense change has been observed in individual(s) with complement factor I deficiency or age-related macular degeneration (PMID: 24036952, 40713518). It has also been observed to segregate with disease in related individuals. ClinVar contains an entry for this variant (Variation ID: 1426300). Invitae Evidence Modeling of protein sequence and biophysical properties (such as structural, functional, and spatial information, amino acid conservation, physicochemical variation, residue mobility, and thermodynamic stability) indicates that this missense variant is expected to disrupt CFI protein function with a positive predictive value of 80%. Experimental studies have shown that this missense change affects CFI function (PMID: 32510551). In summary, the available evidence is currently insufficient to determine the role of this variant in disease. Therefore, it has been classified as a Variant of Uncertain Significance.

Fulgent Genetics
Classification: Uncertain significance for Factor I deficiency; Atypical hemolytic-uremic syndrome with I factor anomaly; Age related macular degeneration 13. Last evaluated: 2022-05-09. Review status: criteria provided, single submitter. Criteria: ACMG Guidelines, 2015. Collection method: clinical testing. Allele origin: unknown.

Literature cited by the submitters: PubMed 40713518 (cited by Genomenon, Inc and Labcorp Genetics (formerly Invitae), Labcorp); PubMed 32510551 (cited by Genomenon, Inc and Labcorp Genetics (formerly Invitae), Labcorp); PubMed 24036952 (cited by Labcorp Genetics (formerly Invitae), Labcorp).